The following is an entry in ClinVar:

ClinVar aggregate classification (germline): Likely benign. Review status: criteria provided, multiple submitters, no conflicts (2 of 4 stars). 3 submissions from 3 submitters: Likely benign (3). Last evaluated 2025-11-01.

Conditions:
Symmetrical dyschromatosis of extremities (DSH). Also called: DYSCHROMATOSIS SYMMETRICA HEREDITARIA 1; RETICULATE ACROPIGMENTATION OF DOHI; SYMMETRIC DYSCHROMATOSIS OF THE EXTREMITIES; Dyschromatosis symmetrica hereditaria. Identifiers: Orphanet 41, MedGen C0406775, MONDO:0007483, OMIM 127400.
Aicardi-Goutieres syndrome 6 (AGS6). Identifiers: Orphanet 51, MedGen C3539013, MONDO:0014007, OMIM 615010.

Allele frequency attached by ClinVar (database versions not stated): gnomAD exomes below 0.00001; TOPMed 0.00001; gnomAD 0.00003.
gnomAD v4.1: 12 of 1,614,014 alleles (0.00074%); highest among the groups gnomAD compares: Middle Eastern, 0.016%; no homozygotes.

Submissions (3):

CeGaT Center for Human Genetics Tuebingen
Classification: Likely benign. Last evaluated: 2025-11-01. Review status: criteria provided, single submitter. Criteria: CeGaT Center For Human Genetics Tuebingen Variant Classification Criteria Version 2. Collection method: clinical testing. Allele origin: germline. Affected: yes. Observed: 1 variant allele.
Comment: ADAR: BP4, BP7

Labcorp Genetics (formerly Invitae), Labcorp
Classification: Likely benign for Aicardi-Goutieres syndrome 6; Symmetrical dyschromatosis of extremities. Last evaluated: 2025-07-25. Review status: criteria provided, single submitter. Criteria: Invitae Variant Classification Sherloc (09022015). Collection method: clinical testing. Allele origin: germline.

Blueprint Genetics
Classification: Likely benign. Last evaluated: 2021-08-05. Review status: criteria provided, single submitter. Criteria: ACMG Guidelines, 2015. Collection method: clinical testing. Allele origin: germline.

NM_001111.5(ADAR):c.1965A>G (p.Gln655=)

Gene: ADAR (adenosine deaminase RNA specific; minus strand). Cytogenetic location: 1q21.3.
Variant type: single nucleotide variant.
Coding change: c.1965A>G on transcript NM_001111.5 (MANE Select); coding-DNA position 1965, A replaced by G.
Protein change: p.Gln655=; no amino-acid change (glutamine 655 retained).
Molecular consequence: synonymous variant.
Genome position (GRCh38, 1-based): chr1:154,597,237, T>C on the plus strand (A>G on the coding strand, the complement: ADAR is on the minus strand). VCF-style: chr1-154597237-T-C. GRCh37 (hg19) VCF-style: chr1-154569713-T-C.
Other names: c.1080A>G, p.Gln360= (NM_001025107.3, NM_001193495.2, NM_001365046.1 and 3 more transcripts); c.1992A>G, p.Gln664= (NM_001365045.1); c.1965A>G, p.Gln655= (NM_015840.4, NM_015841.4).
Identifiers: ClinVar variation 2922901 (VCV002922901.10), dbSNP rs1003456542, ClinGen allele CA30860828.